The following is an entry in ClinVar:

NM_003743.5(NCOA1):c.4066A>C (p.Ile1356Leu)

Gene: NCOA1 (nuclear receptor coactivator 1; plus strand). Cytogenetic location: 2p23.3.
Variant type: single nucleotide variant.
Coding change: c.4066A>C on transcript NM_003743.5 (MANE Select); coding-DNA position 4066, A replaced by C.
Protein change: p.Ile1356Leu; replaces isoleucine 1356 with leucine.
Molecular consequence: missense variant.
Genome position (GRCh38, 1-based): chr2:24,762,687, A>C. VCF-style: chr2-24762687-A-C. GRCh37 (hg19) VCF-style: chr2-24985556-A-C.
Other names: c.4066A>C, p.Ile1356Leu (NM_001362950.1, NM_001362952.1, NM_001362954.1 and 3 more transcripts); short protein forms I1356L.
Identifiers: ClinVar variation 3039827 (VCV003039827.2), dbSNP rs148719445, ClinGen allele CA1552803.

ClinVar aggregate classification (germline): Uncertain significance (0 of 4 stars; one submission).

Conditions:
NCOA1-related disorder. Also called: NCOA1-related condition.

Allele frequency attached by ClinVar (database versions not stated): ExAC 0.00004; TOPMed 0.00006; gnomAD 0.00007; ESP Exome Variant Server 0.00008; gnomAD exomes 0.00008.
gnomAD v4.1: 137 of 1,613,068 alleles (0.0085%); highest among the groups gnomAD compares: Non-Finnish European, 0.011%; no homozygotes.

Submission:

PreventionGenetics, part of Exact Sciences
Classification: Uncertain significance for NCOA1-related condition. Last evaluated: 2024-09-05. Review status: no assertion criteria provided. Collection method: clinical testing. Allele origin: germline.
Comment: The NCOA1 c.4066A>C variant is predicted to result in the amino acid substitution p.Ile1356Leu. To our knowledge, this variant has not been reported in the literature. This variant is reported in 0.011% of alleles in individuals of European (Non-Finnish) descent in gnomAD. At this time, the clinical significance of this variant is uncertain due to the absence of conclusive functional and genetic evidence.